The following is an entry in ClinVar:

ClinVar aggregate classification (germline): Uncertain significance. Review status: criteria provided, multiple submitters, no conflicts (2 of 4 stars). 2 submissions from 2 submitters: Uncertain significance (2). Last evaluated 2025-12-08.

Conditions:
Hereditary cancer-predisposing syndrome. Also called: Neoplastic Syndromes, Hereditary; Tumor predisposition; Hereditary neoplastic syndrome; Hereditary Cancer Syndrome. Identifiers: Orphanet 140162, MedGen C0027672, MeSH D009386, MONDO:0015356.
Cardiovascular phenotype. Identifiers: MedGen CN230736.
Neurofibromatosis, type 1 (NF1). Also called: NEUROFIBROMATOSIS, TYPE I, SOMATIC; Peripheral type neurofibromatosis; VON RECKLINGHAUSEN DISEASE; Neurofibromatosis, type I. Identifiers: Orphanet 636, MedGen C0027831, MONDO:0018975, OMIM 162200. Disease mechanism: loss of function.

Submissions (2):

Labcorp Genetics (formerly Invitae), Labcorp
Classification: Uncertain significance for Neurofibromatosis, type 1. Last evaluated: 2025-12-08. Review status: criteria provided, single submitter. Criteria: Invitae Variant Classification Sherloc (09022015). Collection method: clinical testing. Allele origin: germline.
Comment: This sequence change replaces alanine, which is neutral and non-polar, with serine, which is neutral and polar, at codon 928 of the NF1 protein (p.Ala928Ser). This variant is not present in population databases (gnomAD no frequency). This variant has not been reported in the literature in individuals affected with NF1-related conditions. ClinVar contains an entry for this variant (Variation ID: 1795953). Invitae Evidence Modeling of protein sequence and biophysical properties (such as structural, functional, and spatial information, amino acid conservation, physicochemical variation, residue mobility, and thermodynamic stability) has been performed for this missense variant. However, the output from this modeling did not meet the statistical confidence thresholds required to predict the impact of this variant on NF1 protein function. In summary, the available evidence is currently insufficient to determine the role of this variant in disease. Therefore, it has been classified as a Variant of Uncertain Significance.

Ambry Genetics
Classification: Uncertain significance for Cardiovascular phenotype; Hereditary cancer-predisposing syndrome. Last evaluated: 2021-06-14. Review status: criteria provided, single submitter. Criteria: Ambry Variant Classification Scheme 2023. Collection method: clinical testing. Allele origin: germline.
Comment: The p.A928S variant (also known as c.2782G>T), located in coding exon 21 of the NF1 gene, results from a G to T substitution at nucleotide position 2782. The alanine at codon 928 is replaced by serine, an amino acid with similar properties. This amino acid position is highly conserved in available vertebrate species. In addition, this alteration is predicted to be deleterious by in silico analysis. Since supporting evidence is limited at this time, the clinical significance of this alteration remains unclear.

NM_001042492.3(NF1):c.2782G>T (p.Ala928Ser)

Gene: NF1 (neurofibromin 1; plus strand). Cytogenetic location: 17q11.2.
Variant type: single nucleotide variant.
Coding change: c.2782G>T on transcript NM_001042492.3 (MANE Select); coding-DNA position 2782, G replaced by T.
Protein change: p.Ala928Ser; replaces alanine 928 with serine.
Molecular consequence: missense variant.
Genome position (GRCh38, 1-based): chr17:31,229,397, G>T. VCF-style: chr17-31229397-G-T. GRCh37 (hg19) VCF-style: chr17-29556415-G-T.
Other names: c.2782G>T, p.Ala928Ser (NM_000267.4); short protein forms A928S.
Identifiers: ClinVar variation 1795953 (VCV001795953.3), dbSNP rs1277935019, ClinGen allele CA398985581.